The following is an entry in ClinVar:

ClinVar aggregate classification (germline): Uncertain significance (1 of 4 stars; one submission).

Conditions:
Hereditary cancer-predisposing syndrome. Also called: Hereditary Cancer Syndrome; Hereditary neoplastic syndrome; Tumor predisposition; Neoplastic Syndromes, Hereditary. Identifiers: Orphanet 140162, MedGen C0027672, MeSH D009386, MONDO:0015356.

gnomAD v4.1: 1 of 1,553,398 alleles (0.000064%); highest among the groups gnomAD compares: Non-Finnish European, 0.000089%; no homozygotes.

Submission:

Ambry Genetics
Classification: Uncertain significance for Hereditary cancer-predisposing syndrome. Last evaluated: 2024-11-22. Review status: criteria provided, single submitter. Criteria: Ambry Variant Classification Scheme 2023. Collection method: clinical testing. Allele origin: germline.
Comment: The p.P317S variant (also known as c.949C>T), located in coding exon 6 of the KIT gene, results from a C to T substitution at nucleotide position 949. The proline at codon 317 is replaced by serine, an amino acid with similar properties. This amino acid position is conserved. In addition, this alteration is predicted to be tolerated by in silico analysis. Based on the available evidence, the clinical significance of this variant remains unclear.

NM_000222.3(KIT):c.949C>T (p.Pro317Ser)

Gene: KIT (KIT proto-oncogene, receptor tyrosine kinase; plus strand). Cytogenetic location: 4q12.
Variant type: single nucleotide variant.
Coding change: c.949C>T on transcript NM_000222.3 (MANE Select); coding-DNA position 949, C replaced by T.
Protein change: p.Pro317Ser; replaces proline 317 with serine.
Molecular consequence: missense variant.
Genome position (GRCh38, 1-based): chr4:54,707,121, C>T. VCF-style: chr4-54707121-C-T. GRCh37 (hg19) VCF-style: chr4-55573287-C-T.
Other names: c.949C>T, p.Pro317Ser (NM_001093772.2, NM_001385285.1, NM_001385286.1); c.952C>T, p.Pro318Ser (NM_001385284.1, NM_001385288.1, NM_001385290.1 and 1 more transcripts); short protein forms P318S, P317S.
Identifiers: ClinVar variation 3534736 (VCV003534736.1).